The following is an entry in ClinVar:

ClinVar aggregate classification (germline): Conflicting classifications of pathogenicity. Review status: criteria provided, conflicting classifications (1 of 4 stars). 4 submissions from 4 submitters: Uncertain significance (3); Likely benign (1). Last evaluated 2023-09-22.

Conditions:
Hereditary spastic paraplegia 48. Also called: SPASTIC PARAPLEGIA 48, AUTOSOMAL RECESSIVE; Spastic paraplegia 48. Identifiers: Orphanet 306511, MedGen C3150901, MONDO:0013342, OMIM 613647.
Inborn genetic diseases. Identifiers: MedGen C0950123, MeSH D030342.
Hereditary spastic paraplegia. Also called: Familial spastic paraparesis. Identifiers: Orphanet 685, MedGen C0037773, MONDO:0019064. Disease mechanism: loss of function.

Allele frequency attached by ClinVar (database versions not stated): ExAC 0.00004; gnomAD exomes 0.00004 and 0.00009; TOPMed 0.00005; gnomAD 0.00006; 1000 Genomes Project 30x 0.00016; ESP Exome Variant Server 0.00016; 1000 Genomes Project 0.00020.
gnomAD v4.1: 139 of 1,613,878 alleles (0.0086%); highest among the groups gnomAD compares: Middle Eastern, 0.049%; no homozygotes.

Submissions (4):

Mayo Clinic Laboratories, Mayo Clinic
Classification: Uncertain significance. Last evaluated: 2023-09-22. Review status: criteria provided, single submitter. Criteria: ACMG Guidelines, 2015. Collection method: clinical testing. Allele origin: germline. Observed: 1 variant allele.
Comment: BP4

Labcorp Genetics (formerly Invitae), Labcorp
Classification: Uncertain significance for Hereditary spastic paraplegia 48. Last evaluated: 2022-03-01. Review status: criteria provided, single submitter. Criteria: Invitae Variant Classification Sherloc (09022015). Collection method: clinical testing. Allele origin: germline.
Comment: This sequence change replaces glycine, which is neutral and non-polar, with arginine, which is basic and polar, at codon 423 of the AP5Z1 protein (p.Gly423Arg). This variant is present in population databases (rs376329631, gnomAD 0.009%). This variant has not been reported in the literature in individuals affected with AP5Z1-related conditions. ClinVar contains an entry for this variant (Variation ID: 240933). Algorithms developed to predict the effect of missense changes on protein structure and function output the following: SIFT: "Tolerated"; PolyPhen-2: "Benign"; Align-GVGD: "Class C0". The arginine amino acid residue is found in multiple mammalian species, which suggests that this missense change does not adversely affect protein function. In summary, the available evidence is currently insufficient to determine the role of this variant in disease. Therefore, it has been classified as a Variant of Uncertain Significance.

Ambry Genetics
Classification: Likely benign for Inborn genetic diseases. Last evaluated: 2021-10-06. Review status: criteria provided, single submitter. Criteria: Ambry Variant Classification Scheme 2023. Collection method: clinical testing. Allele origin: germline.

Genome Diagnostics Laboratory, The Hospital for Sick Children
Classification: Uncertain significance for Hereditary spastic paraplegia. Last evaluated: 2020-01-01. Review status: criteria provided, single submitter. Criteria: ACMG Guidelines, 2015. Collection method: clinical testing. Allele origin: germline. Affected: yes.

NM_014855.3(AP5Z1):c.1267G>A (p.Gly423Arg)

Gene: AP5Z1 (adaptor related protein complex 5 subunit zeta 1; plus strand). Cytogenetic location: 7p22.1.
Variant type: single nucleotide variant.
Coding change: c.1267G>A on transcript NM_014855.3 (MANE Select); coding-DNA position 1267, G replaced by A.
Protein change: p.Gly423Arg; replaces glycine 423 with arginine.
Molecular consequence: missense variant. On other transcripts: non-coding transcript variant (1).
Genome position (GRCh38, 1-based): chr7:4,786,384, G>A. VCF-style: chr7-4786384-G-A. GRCh37 (hg19) VCF-style: chr7-4826015-G-A.
Other names: p.Gly423Arg; c.1267G>A, p.Gly423Arg (LRG_1247t1); c.799G>A, p.Gly267Arg (NM_001364858.1); short protein forms G423R, G267R.
Identifiers: ClinVar variation 240933 (VCV000240933.11), dbSNP rs376329631, ClinGen allele CA4137705.
Genomic context (GRCh38, chr7:4,786,384, plus strand): 5'-AGCCCCATGCTGGCCTTTGAATTCATCCAGTTCTGCAGGGACAACCTCCACCTGTTCAGC[G>A]GGCACCTCAGCACCCTCAGATTGAGCTTCCCCAACCTCTTTAAGGTATATTTGGGCATCC-3'
Protein context (NP_055670.1, residues 413-433): FCRDNLHLFS[Gly423Arg]HLSTLRLSFP